The following is an entry in ClinVar:

NM_005560.6(LAMA5):c.6352C>T (p.Gln2118Ter)

Gene: LAMA5 (laminin subunit alpha 5; minus strand). Cytogenetic location: 20q13.33.
Variant type: single nucleotide variant.
Coding change: c.6352C>T on transcript NM_005560.6 (MANE Select); coding-DNA position 6352, C replaced by T.
Protein change: p.Gln2118Ter; replaces glutamine 2118 with a stop codon.
Molecular consequence: nonsense.
Genome position (GRCh38, 1-based): chr20:62,322,163, G>A on the plus strand (C>T on the coding strand, the complement: LAMA5 is on the minus strand). VCF-style: chr20-62322163-G-A. GRCh37 (hg19) VCF-style: chr20-60897219-G-A.
Other names: short protein forms Q2118*.
Identifiers: ClinVar variation 2629853 (VCV002629853.1), dbSNP rs776882133, ClinGen allele CA409558384.

ClinVar aggregate classification (germline): Uncertain significance (1 of 4 stars; one submission).

Conditions:
LAMA5-related disorder. Also called: LAMA5-related condition; LAMA5-Related Disorders.

Submission:

PreventionGenetics, part of Exact Sciences
Classification: Uncertain significance for LAMA5-related condition. Last evaluated: 2022-12-20. Review status: criteria provided, single submitter. Criteria: ACMG Guidelines, 2015. Collection method: clinical testing. Allele origin: germline.
Comment: The LAMA5 c.6352C>T variant is predicted to result in premature protein termination (p.Gln2118*). To our knowledge, this variant has not been reported in the literature or in a large population database, indicating this variant is rare. This variant is predicted to truncate the protein product. Although we suspect that this variant may be pathogenic, at this time, the clinical significance of this variant is uncertain due to the absence of conclusive functional and genetic evidence.